The following is an entry in ClinVar:

NM_003500.4(ACOX2):c.245G>A (p.Arg82Gln)

Gene: ACOX2 (acyl-CoA oxidase 2; minus strand). Cytogenetic location: 3p14.3.
Variant type: single nucleotide variant.
Coding change: c.245G>A on transcript NM_003500.4 (MANE Select); coding-DNA position 245, G replaced by A.
Protein change: p.Arg82Gln; replaces arginine 82 with glutamine.
Molecular consequence: missense variant.
Genome position (GRCh38, 1-based): chr3:58,534,438, C>T on the plus strand (G>A on the coding strand, the complement: ACOX2 is on the minus strand). VCF-style: chr3-58534438-C-T. GRCh37 (hg19) VCF-style: chr3-58520165-C-T.
Other names: short protein forms R82Q.
Identifiers: ClinVar variation 2406413 (VCV002406413.6), dbSNP rs369316238, ClinGen allele CA2472481.

ClinVar aggregate classification (germline): Conflicting classifications of pathogenicity. Review status: criteria provided, conflicting classifications (1 of 4 stars). 3 submissions from 3 submitters: Uncertain significance (1); Likely benign (1). 1 of the submissions does not count toward it. Last evaluated 2023-08-30.

Conditions:
ACOX2-related disorder. Also called: ACOX2-related condition.

Allele frequency attached by ClinVar (database versions not stated): gnomAD exomes 0.00002; ExAC 0.00008; ESP Exome Variant Server 0.00015; gnomAD 0.00015; TOPMed 0.00015.

Submissions (3):

Labcorp Genetics (formerly Invitae), Labcorp
Classification: Uncertain significance. Last evaluated: 2023-08-30. Review status: criteria provided, single submitter. Criteria: Invitae Variant Classification Sherloc (09022015). Collection method: clinical testing. Allele origin: germline.
Comment: In summary, the available evidence is currently insufficient to determine the role of this variant in disease. Therefore, it has been classified as a Variant of Uncertain Significance. Advanced modeling of protein sequence and biophysical properties (such as structural, functional, and spatial information, amino acid conservation, physicochemical variation, residue mobility, and thermodynamic stability) performed at Invitae indicates that this missense variant is not expected to disrupt ACOX2 protein function. ClinVar contains an entry for this variant (Variation ID: 2406413). This variant has not been reported in the literature in individuals affected with ACOX2-related conditions. This variant is present in population databases (rs369316238, gnomAD 0.04%). This sequence change replaces arginine, which is basic and polar, with glutamine, which is neutral and polar, at codon 82 of the ACOX2 protein (p.Arg82Gln).

Ambry Genetics
Classification: Likely benign. Last evaluated: 2022-08-31. Review status: criteria provided, single submitter. Criteria: Ambry Variant Classification Scheme 2023. Collection method: clinical testing. Allele origin: germline.

PreventionGenetics, part of Exact Sciences
Classification: Uncertain significance for ACOX2-related condition. Last evaluated: 2024-08-26. Review status: no assertion criteria provided. Collection method: clinical testing. Allele origin: germline. Not counted in ClinVar's aggregate classification.
Comment: The ACOX2 c.245G>A variant is predicted to result in the amino acid substitution p.Arg82Gln. To our knowledge, this variant has not been reported in the literature. This variant is reported in 0.040% of alleles in individuals of African descent in gnomAD. At this time, the clinical significance of this variant is uncertain due to the absence of conclusive functional and genetic evidence.